The following is an entry in ClinVar:

NM_000128.4(F11):c.797G>A (p.Ser266Asn)

Gene: F11 (coagulation factor XI; plus strand). Cytogenetic location: 4q35.2.
Variant type: single nucleotide variant.
Coding change: c.797G>A on transcript NM_000128.4 (MANE Select); coding-DNA position 797, G replaced by A.
Protein change: p.Ser266Asn; replaces serine 266 with asparagine.
Molecular consequence: missense variant.
Genome position (GRCh38, 1-based): chr4:186,280,053, G>A. VCF-style: chr4-186280053-G-A. GRCh37 (hg19) VCF-style: chr4-187201207-G-A.
Other names: short protein forms S266N.
Identifiers: ClinVar variation 746899 (VCV000746899.13), dbSNP rs145168351, ClinGen allele CA3163782.

ClinVar aggregate classification (germline): Conflicting classifications of pathogenicity. Review status: criteria provided, conflicting classifications (1 of 4 stars). 3 submissions from 3 submitters: Uncertain significance (1); Likely benign (1). 1 of the submissions does not count toward it. Last evaluated 2026-01-25.

Conditions:
Plasma factor XI deficiency.

Allele frequency attached by ClinVar (database versions not stated): ExAC 0.00026; 1000 Genomes Project 0.00060; 1000 Genomes Project 30x 0.00062; TOPMed 0.00071; gnomAD 0.00072 and 0.00081; ESP Exome Variant Server 0.00123.
gnomAD v4.1: 210 of 1,614,104 alleles (0.013%); highest among the groups gnomAD compares: African/African-American, 0.23%; no homozygotes.

Submissions (3):

Labcorp Genetics (formerly Invitae), Labcorp
Classification: Likely benign. Last evaluated: 2026-01-25. Review status: criteria provided, single submitter. Criteria: Invitae Variant Classification Sherloc (09022015). Collection method: clinical testing. Allele origin: germline.

GeneDx
Classification: Uncertain significance. Last evaluated: 2024-11-11. Review status: criteria provided, single submitter. Criteria: GeneDx Variant Classification Process June 2021. Collection method: clinical testing. Allele origin: germline. Affected: yes.
Comment: Published functional studies demonstrate the variant slows activation of F11 by thrombin in the presence of activated platelets and does not progress to the same extent as activation of the wild-type protein under similar conditions (PMID: 11418471); In silico analysis indicates that this missense variant does not alter protein structure/function; Also known as p.(S248Q) and p.(S248N); This variant is associated with the following publications: (PMID: 20308231, 19652879, 28609141, 34426522, 11418471, 9787168, 34272389, 37647632)

Natera, Inc.
Classification: Likely benign for Plasma factor XI deficiency. Last evaluated: 2020-09-16. Review status: no assertion criteria provided. Collection method: clinical testing. Allele origin: germline. Not counted in ClinVar's aggregate classification.